The following is an entry in ClinVar:

NM_005592.4(MUSK):c.1813A>T (p.Met605Leu)

Gene: MUSK (muscle associated receptor tyrosine kinase; plus strand). Cytogenetic location: 9q31.3.
Variant type: single nucleotide variant.
Coding change: c.1813A>T on transcript NM_005592.4 (MANE Select); coding-DNA position 1813, A replaced by T.
Protein change: p.Met605Leu; replaces methionine 605 with leucine.
Molecular consequence: missense variant.
Genome position (GRCh38, 1-based): chr9:110,787,724, A>T. VCF-style: chr9-110787724-A-T. GRCh37 (hg19) VCF-style: chr9-113550004-A-T.
Other names: c.1555A>T, p.Met519Leu (NM_001166280.2); c.1525A>T, p.Met509Leu (NM_001166281.2); c.553A>T, p.Met185Leu (NM_001369398.1); short protein forms M605L, M509L, M519L, M185L.
Identifiers: ClinVar variation 476135 (VCV000476135.11), dbSNP rs758777089, ClinGen allele CA374476378.

ClinVar aggregate classification (germline): Uncertain significance (1 of 4 stars; one submission).

Conditions:
Congenital myasthenic syndrome 9. Also called: Myasthenic syndrome, congenital, 9, associated with acetylcholine receptor deficiency. Identifiers: Orphanet 590, MedGen C4225368, MONDO:0014587, OMIM 616325.
Fetal akinesia deformation sequence 1 (FADS1). Also called: Fetal akinesia sequence; Pena-Shokeir syndrome type I. Identifiers: Orphanet 994, MedGen C1276035, MONDO:0100101, OMIM 208150, HP:0001989.

gnomAD v4.1: 1 of 1,613,976 alleles (0.000062%); highest among the groups gnomAD compares: Non-Finnish European, 0.000085%; no homozygotes.

Submission:

Labcorp Genetics (formerly Invitae), Labcorp
Classification: Uncertain significance for Congenital myasthenic syndrome 9; Fetal akinesia deformation sequence 1. Last evaluated: 2019-07-15. Review status: criteria provided, single submitter. Criteria: Invitae Variant Classification Sherloc (09022015). Collection method: clinical testing. Allele origin: germline.
Comment: Algorithms developed to predict the effect of missense changes on protein structure and function do not agree on the potential impact of this missense change (SIFT: "Deleterious"; PolyPhen-2: "Benign"; Align-GVGD: "Class C0"). In summary, the available evidence is currently insufficient to determine the role of this variant in disease. Therefore, it has been classified as a Variant of Uncertain Significance. This sequence change replaces methionine with leucine at codon 605 of the MUSK protein (p.Met605Leu). The methionine residue is highly conserved and there is a small physicochemical difference between methionine and leucine. This variant is not present in population databases (ExAC no frequency). This variant has not been reported in the literature in individuals with MUSK-related disease.